The following is an entry in ClinVar:

ClinVar aggregate classification (germline): Likely benign (1 of 4 stars; one submission).

Submission:

CeGaT Center for Human Genetics Tuebingen
Classification: Likely benign. Last evaluated: 2025-12-01. Review status: criteria provided, single submitter. Criteria: CeGaT Center For Human Genetics Tuebingen Variant Classification Criteria Version 2. Collection method: clinical testing. Allele origin: germline. Affected: yes. Observed: 1 variant allele.
Comment: KMT2A: PM2:Supporting, BP4, BP7

NM_001197104.2(KMT2A):c.6049T>C (p.Leu2017=)

Gene: KMT2A (lysine methyltransferase 2A; plus strand). Cytogenetic location: 11q23.3.
Variant type: single nucleotide variant.
Coding change: c.6049T>C on transcript NM_001197104.2 (MANE Select); coding-DNA position 6049, T replaced by C.
Protein change: p.Leu2017=; no amino-acid change (leucine 2017 retained).
Molecular consequence: synonymous variant.
Genome position (GRCh38, 1-based): chr11:118,499,390, T>C. VCF-style: chr11-118499390-T-C. GRCh37 (hg19) VCF-style: chr11-118370105-T-C.
Other names: c.6139T>C, p.Leu2047= (NM_001412597.1); c.6040T>C, p.Leu2014= (NM_005933.4).
Identifiers: ClinVar variation 4681665 (VCV004681665.5).